The following is an entry in ClinVar:

ClinVar aggregate classification (germline): Likely benign. Review status: criteria provided, multiple submitters, no conflicts (2 of 4 stars). 4 submissions from 4 submitters: Likely benign (4). Last evaluated 2025-12-24.

Allele frequency attached by ClinVar (database versions not stated): gnomAD exomes 0.00002 and 0.00007; ExAC 0.00009; 1000 Genomes Project 30x 0.00016; 1000 Genomes Project 0.00020; ESP Exome Variant Server 0.00023; TOPMed 0.00027; gnomAD 0.00030 and 0.00031.

Submissions (4):

Labcorp Genetics (formerly Invitae), Labcorp
Classification: Likely benign. Last evaluated: 2025-12-24. Review status: criteria provided, single submitter. Criteria: Invitae Variant Classification Sherloc (09022015). Collection method: clinical testing. Allele origin: germline.

Blueprint Genetics
Classification: Likely benign. Last evaluated: 2023-10-18. Review status: criteria provided, single submitter. Criteria: ACMG Guidelines, 2015. Collection method: clinical testing. Allele origin: germline.

CeGaT Center for Human Genetics Tuebingen
Classification: Likely benign. Last evaluated: 2022-11-01. Review status: criteria provided, single submitter. Criteria: CeGaT Center For Human Genetics Tuebingen Variant Classification Criteria Version 2. Collection method: clinical testing. Allele origin: germline. Affected: yes. Observed: 1 variant allele.
Comment: COL9A3: BP4, BP7

Breakthrough Genomics
Classification: Likely benign. Review status: criteria provided, single submitter. Criteria: ACMG Guidelines, 2015. Collection method: not provided. Allele origin: germline. Inheritance: Autosomal recessive inheritance. Affected: yes.

NM_001853.4(COL9A3):c.426A>C (p.Gly142=)

Gene: COL9A3 (collagen type IX alpha 3 chain; plus strand). Cytogenetic location: 20q13.33.
Variant type: single nucleotide variant.
Coding change: c.426A>C on transcript NM_001853.4 (MANE Select); coding-DNA position 426, A replaced by C.
Protein change: p.Gly142=; no amino-acid change (glycine 142 retained).
Molecular consequence: synonymous variant.
Genome position (GRCh38, 1-based): chr20:62,822,113, A>C. VCF-style: chr20-62822113-A-C. GRCh37 (hg19) VCF-style: chr20-61453465-A-C.
Identifiers: ClinVar variation 731143 (VCV000731143.34), dbSNP rs143832972, ClinGen allele CA9949270.